The following is an entry in ClinVar:

NM_152703.5(SAMD9L):c.1309G>T (p.Glu437Ter)

Gene: SAMD9L (sterile alpha motif domain containing 9 like; minus strand). Cytogenetic location: 7q21.2.
Variant type: single nucleotide variant.
Coding change: c.1309G>T on transcript NM_152703.5 (MANE Select); coding-DNA position 1309, G replaced by T.
Protein change: p.Glu437Ter; replaces glutamic acid 437 with a stop codon.
Molecular consequence: nonsense.
Genome position (GRCh38, 1-based): chr7:93,134,663, C>A on the plus strand (G>T on the coding strand, the complement: SAMD9L is on the minus strand). VCF-style: chr7-93134663-C-A. GRCh37 (hg19) VCF-style: chr7-92763976-C-A.
Other names: c.1309G>T (NM_152703.4); c.1309G>T, p.Glu437Ter (NM_001303496.3, NM_001303497.3, NM_001303498.3 and 5 more transcripts); short protein forms E437*.
Identifiers: ClinVar variation 2096083 (VCV002096083.5), dbSNP rs1584281088, ClinGen allele CA368197546.
Genomic context (GRCh38, chr7:93,134,663, plus strand): 5'-TGACCACTCCATTGATCATAGATTCAGGATCAAACTCCAACACAGCAAACCATTTAATTT[C>A]TTTTAAAAAATCTAAGTGCTTTATTTGGTTTGGATGGCATTTATTTGTTACAAGAATGTA-3'

ClinVar aggregate classification (germline): Uncertain significance (1 of 4 stars; one submission).

Conditions:
Ataxia-pancytopenia syndrome (ATXPC). Also called: SAMD9L-Related Syndrome; SAMD9L Ataxia-Pancytopenia Syndrome. Identifiers: Orphanet 2585, MedGen C1327919, MONDO:0008038, OMIM 159550.

gnomAD v4.1: 1 of 1,613,830 alleles (0.000062%); highest among the groups gnomAD compares: Non-Finnish European, 0.000085%; no homozygotes.

Submission:

Labcorp Genetics (formerly Invitae), Labcorp
Classification: Uncertain significance. Last evaluated: 2022-02-10. Review status: criteria provided, single submitter. Criteria: Invitae Variant Classification Sherloc (09022015). Collection method: clinical testing. Allele origin: germline.
Comment: In summary, the available evidence is currently insufficient to determine the role of this variant in disease. Therefore, it has been classified as a Variant of Uncertain Significance. This variant has not been reported in the literature in individuals affected with SAMD9L-related conditions. This variant is not present in population databases (gnomAD no frequency). This sequence change creates a premature translational stop signal (p.Glu437*) in the SAMD9L gene. While this is not anticipated to result in nonsense mediated decay, it is expected to disrupt the last 1148 amino acid(s) of the SAMD9L protein.